The following is an entry in ClinVar:

ClinVar aggregate classification (germline): Uncertain significance. Review status: criteria provided, multiple submitters, no conflicts (2 of 4 stars). 3 submissions from 3 submitters: Uncertain significance (3). Last evaluated 2024-02-28.

Conditions:
Fraser syndrome 2 (FRASRS2). Identifiers: MedGen C4540036, MONDO:0054738, OMIM 617666.
Isolated cryptophthalmia. Also called: Cryptophthalmos, unilateral or bilateral, isolated; ANKYLOBLEPHARON, SIMPLE. Identifiers: Orphanet 91396, MedGen C1852453, MONDO:0007410, OMIM 123570.
Inborn genetic diseases. Identifiers: MedGen C0950123, MeSH D030342.

Allele frequency attached by ClinVar (database versions not stated): gnomAD exomes 0.00002; ExAC 0.00007; ESP Exome Variant Server 0.00008; gnomAD 0.00017; TOPMed 0.00020; 1000 Genomes Project 0.00040; 1000 Genomes Project 30x 0.00062.
gnomAD v4.1: 52 of 1,613,840 alleles (0.0032%); highest among the groups gnomAD compares: African/African-American, 0.068%; no homozygotes.

Submissions (3):

GeneDx
Classification: Uncertain significance. Last evaluated: 2024-02-28. Review status: criteria provided, single submitter. Criteria: GeneDx Variant Classification Process June 2021. Collection method: clinical testing. Allele origin: germline. Affected: yes.
Comment: In silico analysis supports that this missense variant does not alter protein structure/function; Has not been previously published as pathogenic or benign to our knowledge

Fulgent Genetics
Classification: Uncertain significance for Isolated cryptophthalmia; Fraser syndrome 2. Last evaluated: 2024-01-15. Review status: criteria provided, single submitter. Criteria: ACMG Guidelines, 2015. Collection method: clinical testing. Allele origin: germline.

Ambry Genetics
Classification: Uncertain significance for Inborn genetic diseases. Last evaluated: 2021-11-12. Review status: criteria provided, single submitter. Criteria: Ambry Variant Classification Scheme 2023. Collection method: clinical testing. Allele origin: germline.

NM_207361.6(FREM2):c.6127G>A (p.Val2043Ile)

Gene: FREM2 (FRAS1 related extracellular matrix 2; plus strand). Cytogenetic location: 13q13.3.
Variant type: single nucleotide variant.
Coding change: c.6127G>A on transcript NM_207361.6 (MANE Select); coding-DNA position 6127, G replaced by A.
Protein change: p.Val2043Ile; replaces valine 2043 with isoleucine.
Molecular consequence: missense variant.
Genome position (GRCh38, 1-based): chr13:38,846,680, G>A. VCF-style: chr13-38846680-G-A. GRCh37 (hg19) VCF-style: chr13-39420817-G-A.
Other names: short protein forms V2043I.
Identifiers: ClinVar variation 2221068 (VCV002221068.4), dbSNP rs78870653, ClinGen allele CA6955456.